The following is an entry in ClinVar:

ClinVar aggregate classification (germline): Pathogenic (1 of 4 stars; one submission).

Submission:

Labcorp Genetics (formerly Invitae), Labcorp
Classification: Pathogenic. Last evaluated: 2023-03-30. Review status: criteria provided, single submitter. Criteria: Invitae Variant Classification Sherloc (09022015). Collection method: clinical testing. Allele origin: germline.
Comment: This sequence change creates a premature translational stop signal (p.Trp437*) in the SPTB gene. It is expected to result in an absent or disrupted protein product. Loss-of-function variants in SPTB are known to be pathogenic (PMID: 1391962, 1498324, 8844207, 26830532, 27292444). This variant is not present in population databases (gnomAD no frequency). This premature translational stop signal has been observed in individual(s) with hereditary spherocytosis (PMID: 33014018). For these reasons, this variant has been classified as Pathogenic.

Literature cited by the submitters: PubMed 1391962; PubMed 1498324; PubMed 8844207; PubMed 26830532; PubMed 27292444; PubMed 33014018.

NM_001355436.2(SPTB):c.1311G>A (p.Trp437Ter)

Gene: SPTB (spectrin beta, erythrocytic; minus strand). Cytogenetic location: 14q23.3.
Variant type: single nucleotide variant.
Coding change: c.1311G>A on transcript NM_001355436.2 (MANE Select); coding-DNA position 1311, G replaced by A.
Protein change: p.Trp437Ter; replaces tryptophan 437 with a stop codon.
Molecular consequence: nonsense.
Genome position (GRCh38, 1-based): chr14:64,796,587, C>T on the plus strand (G>A on the coding strand, the complement: SPTB is on the minus strand). VCF-style: chr14-64796587-C-T. GRCh37 (hg19) VCF-style: chr14-65263305-C-T.
Other names: c.1311G>A, p.Trp437Ter (NM_001024858.4, NM_001355437.2); short protein forms W437*.
Identifiers: ClinVar variation 2850972 (VCV002850972.3), dbSNP rs2503180387, ClinGen allele CA390024778.